The following is an entry in ClinVar:

NM_000138.5(FBN1):c.6403G>A (p.Asp2135Asn)

Gene: FBN1 (fibrillin 1; minus strand). Cytogenetic location: 15q21.1.
Variant type: single nucleotide variant.
Coding change: c.6403G>A on transcript NM_000138.5 (MANE Select); coding-DNA position 6403, G replaced by A.
Protein change: p.Asp2135Asn; replaces aspartic acid 2135 with asparagine.
Molecular consequence: missense variant.
Genome position (GRCh38, 1-based): chr15:48,437,054, C>T on the plus strand (G>A on the coding strand, the complement: FBN1 is on the minus strand). VCF-style: chr15-48437054-C-T. GRCh37 (hg19) VCF-style: chr15-48729251-C-T.
Other names: p.D2135N:GAT>AAT; short protein forms D2135N.
Identifiers: ClinVar variation 200081 (VCV000200081.45), dbSNP rs746167150, ClinGen allele CA016412.

ClinVar aggregate classification (germline): Uncertain significance. Review status: criteria provided, multiple submitters, no conflicts (2 of 4 stars). 7 submissions from 7 submitters: Uncertain significance (6). 1 of the submissions does not count toward it. Last evaluated 2025-09-05.

Conditions:
MASS syndrome (OCTD). Also called: MASS PHENOTYPE; OVERLAP CONNECTIVE TISSUE DISEASE. Identifiers: MedGen C1858556, MONDO:0011431, OMIM 604308.
Acromicric dysplasia (ACMICD). Also called: Acromicric skeletal dysplasia. Identifiers: Orphanet 969, MedGen C0265287, MONDO:0007055, OMIM 102370.
Progeroid and marfanoid aspect-lipodystrophy syndrome. Also called: MARFANOID-PROGEROID SYNDROME; MARFAN-PROGEROID-LIPODYSTROPHY SYNDROME; MARFANOID-PROGEROID-LIPODYSTROPHY SYNDROME; Marfan lipodystrophy syndrome. Identifiers: Orphanet 300382, MedGen C4310796, MONDO:0014831, OMIM 616914.
Ectopia lentis 1, isolated, autosomal dominant (ECTOL1). Identifiers: Orphanet 1885, MedGen C3541518, MONDO:0007514, OMIM 129600.
Weill-Marchesani syndrome 2, dominant. Also called: Weill-Marchesani Syndrome, Autosomal Dominant; FBN1-Related Weill-Marchesani Syndrome. Identifiers: Orphanet 2084, MedGen C1869115, MONDO:0012013, OMIM 608328.
Geleophysic dysplasia 2 (GPHYSD2). Identifiers: Orphanet 2623, MedGen C3280054, MONDO:0013612, OMIM 614185.
Stiff skin syndrome (SSKS). Identifiers: Orphanet 2833, MedGen C1861456, MONDO:0008492, OMIM 184900.
Marfan syndrome (MFS). Also called: Marfan syndrome type 1; Marfan's syndrome; Marfan syndrome, classic; MARFAN SYNDROME, TYPE I; FBN1-Related Marfan Syndrome. Identifiers: Orphanet 284963, Orphanet 558, MedGen C0024796, MONDO:0007947, OMIM 154700.
Familial thoracic aortic aneurysm and aortic dissection (TAAD). Also called: Thoracic aortic aneurysms and dissections. Identifiers: Orphanet 91387, MedGen C4707243, MONDO:0019625.

Allele frequency attached by ClinVar (database versions not stated): TOPMed below 0.00001; ExAC 0.00001; gnomAD 0.00001; gnomAD exomes 0.00001.
gnomAD v4.1: 5 of 1,612,488 alleles (0.00031%); highest among the groups gnomAD compares: Admixed American, 0.0033%; no homozygotes.

Submissions (7):

Color Diagnostics, LLC DBA Color Health
Classification: Uncertain significance for Familial thoracic aortic aneurysm and aortic dissection. Last evaluated: 2025-09-05. Review status: criteria provided, single submitter. Criteria: ACMG Guidelines, 2015. Collection method: clinical testing. Allele origin: germline.
Comment: This missense variant replaces aspartic acid with asparagine at codon 2135 of the FBN1 protein. Computational prediction suggests that this variant may not impact protein structure and function. To our knowledge, functional studies have not been reported for this variant. This variant has not been reported in individuals affected with FBN1-related disorders in the literature. It has been reported in an individual with Turner syndrome (PMID: 40169830). This variant has not been identified in the general population by the Genome Aggregation Database (gnomAD). The available evidence is insufficient to determine the role of this variant in disease conclusively. Therefore, this variant is classified as a Variant of Uncertain Significance.

Labcorp Genetics (formerly Invitae), Labcorp
Classification: Uncertain significance for Marfan syndrome; Familial thoracic aortic aneurysm and aortic dissection. Last evaluated: 2025-04-23. Review status: criteria provided, single submitter. Criteria: Invitae Variant Classification Sherloc (09022015). Collection method: clinical testing. Allele origin: germline.
Comment: This sequence change replaces aspartic acid, which is acidic and polar, with asparagine, which is neutral and polar, at codon 2135 of the FBN1 protein (p.Asp2135Asn). This variant is present in population databases (rs746167150, gnomAD 0.004%). This variant has not been reported in the literature in individuals affected with FBN1-related conditions. ClinVar contains an entry for this variant (Variation ID: 200081). Invitae Evidence Modeling of protein sequence and biophysical properties (such as structural, functional, and spatial information, amino acid conservation, physicochemical variation, residue mobility, and thermodynamic stability) indicates that this missense variant is not expected to disrupt FBN1 protein function with a negative predictive value of 95%. In summary, the available evidence is currently insufficient to determine the role of this variant in disease. Therefore, it has been classified as a Variant of Uncertain Significance.

Ambry Genetics
Classification: Uncertain significance for Familial thoracic aortic aneurysm and aortic dissection. Last evaluated: 2025-01-17. Review status: criteria provided, single submitter. Criteria: Ambry Variant Classification Scheme 2023. Collection method: clinical testing. Allele origin: germline.
Comment: The p.D2135N variant (also known as c.6403G>A), located in coding exon 52 of the FBN1 gene, results from a G to A substitution at nucleotide position 6403. The aspartic acid at codon 2135 is replaced by asparagine, an amino acid with highly similar properties. This amino acid position is well conserved in available vertebrate species. In addition, this alteration is predicted to be tolerated by in silico analysis. Since supporting evidence is limited at this time, the clinical significance of this alteration remains unclear.

CeGaT Center for Human Genetics Tuebingen
Classification: Uncertain significance. Last evaluated: 2023-11-01. Review status: criteria provided, single submitter. Criteria: CeGaT Center For Human Genetics Tuebingen Variant Classification Criteria Version 2. Collection method: clinical testing. Allele origin: germline. Affected: yes. Observed: 1 variant allele.
Comment: FBN1: PM2

GeneDx
Classification: Uncertain significance. Last evaluated: 2023-01-30. Review status: criteria provided, single submitter. Criteria: GeneDx Variant Classification Process June 2021. Collection method: clinical testing. Allele origin: germline. Affected: yes.
Comment: Has not been previously published as pathogenic or benign to our knowledge; Not observed at significant frequency in large population cohorts (gnomAD); In silico analysis supports that this missense variant does not alter protein structure/function; Although located in a calcium-binding EGF-like domain of the FBN1 gene, it does not affect a cysteine residue within this domain; cysteine substitutions in the calcium-binding EGF-like domains represent the majority of pathogenic missense changes associated with FBN1-related disorders (Collod-Beroud et al., 2003); This variant is associated with the following publications: (PMID: 12938084)

Fulgent Genetics
Classification: Uncertain significance for Acromicric dysplasia; Ectopia lentis 1, isolated, autosomal dominant; Marfan syndrome; Stiff skin syndrome; MASS syndrome; Weill-Marchesani syndrome 2, dominant; Geleophysic dysplasia 2; Progeroid and marfanoid aspect-lipodystrophy syndrome. Last evaluated: 2021-11-04. Review status: criteria provided, single submitter. Criteria: ACMG Guidelines, 2015. Collection method: clinical testing. Allele origin: unknown.

Department of Laboratory Medicine and Genetics, Samsung Medical Center
Classification: Uncertain significance for Marfan syndrome. Last evaluated: 2025-01-02. Review status: no assertion criteria provided. Collection method: clinical testing. Allele origin: germline. Not counted in ClinVar's aggregate classification.
Comment: The NM_000138.5:c.6403G>A is considered to be rare in the general population database (gnomAD v2.1.1). In summary, the available evidence is currently insufficient to evaluate the pathogenicity of this variant, resulting its classification as a variant of uncertain significance (PP2, PM2_P).

Literature cited by the submitters: PubMed 40169830 (cited by Color Diagnostics, LLC DBA Color Health).